The following is an entry in ClinVar:

NM_000890.5(KCNJ5):c.1186G>A (p.Ala396Thr)

Gene: KCNJ5 (potassium inwardly rectifying channel subfamily J member 5; plus strand). Cytogenetic location: 11q24.3.
Variant type: single nucleotide variant.
Coding change: c.1186G>A on transcript NM_000890.5 (MANE Select); coding-DNA position 1186, G replaced by A.
Protein change: p.Ala396Thr; replaces alanine 396 with threonine.
Molecular consequence: missense variant.
Genome position (GRCh38, 1-based): chr11:128,916,657, G>A. VCF-style: chr11-128916657-G-A. GRCh37 (hg19) VCF-style: chr11-128786552-G-A.
Other names: c.1186G>A, p.Ala396Thr (NM_001354169.2); c.1186G>A (LRG_333t1); short protein forms A396T.
Identifiers: ClinVar variation 520527 (VCV000520527.9), dbSNP rs754816201, ClinGen allele CA6358018.

ClinVar aggregate classification (germline): Uncertain significance. Review status: criteria provided, multiple submitters, no conflicts (2 of 4 stars). 5 submissions from 5 submitters: Uncertain significance (5). Last evaluated 2026-01-20.

Conditions:
Cardiovascular phenotype. Identifiers: MedGen CN230736.
Long QT syndrome 13 (LQT13). Identifiers: Orphanet 101016, Orphanet 768, MedGen C3150733, MONDO:0013279, OMIM 613485.
Familial hyperaldosteronism type III. Also called: FH III; Familial hyperaldosteronism type 3. Identifiers: Orphanet 251274, MedGen C3838758, MONDO:0013359, OMIM 613677.
Long QT syndrome (LQTS). Identifiers: MedGen C0023976, MeSH D008133, MONDO:0002442. Disease mechanism: loss of function. Inheritance: Various modes of inheritance.

Allele frequency attached by ClinVar (database versions not stated): gnomAD 0.00001; gnomAD exomes 0.00002; TOPMed 0.00002; ExAC 0.00002.
gnomAD v4.1: 41 of 1,612,998 alleles (0.0025%); highest among the groups gnomAD compares: Admixed American, 0.005%; no homozygotes.

Submissions (5):

Dasa
Classification: Uncertain significance. Last evaluated: 2026-01-20. Review status: criteria provided, single submitter. Criteria: DASA Assertion Criteria. Collection method: clinical testing. Allele origin: germline.
Comment: NM_000890.5(KCNJ5):c.1186G>A (p.Ala396Thr) is a missense variant that results in the substitution of alanine with threonine. This variant is rare in population databases. Computational prediction algorithms are consistent with a benign effect. The currently available literature and clinical evidence are not sufficient to establish a definitive association between this variant and the reported condition. Therefore, this variant is classified as a variant of uncertain significance.

Women's Health and Genetics/Laboratory Corporation of America, LabCorp
Classification: Uncertain significance. Last evaluated: 2024-09-10. Review status: criteria provided, single submitter. Criteria: LabCorp Variant Classification Summary - May 2015. Collection method: clinical testing. Allele origin: germline.
Comment: Variant summary: KCNJ5 c.1186G>A (p.Ala396Thr) results in a non-conservative amino acid change in the encoded protein sequence. Four of five in-silico tools predict a benign effect of the variant on protein function. The variant allele was found at a frequency of 2e-05 in 247726 control chromosomes. The available data on variant occurrences in the general population are insufficient to allow any conclusion about variant significance. To our knowledge, no occurrence of c.1186G>A in individuals affected with Hyperaldosteronism, Familial, Type III and no experimental evidence demonstrating its impact on protein function have been reported. ClinVar contains an entry for this variant (Variation ID: 520527). Based on the evidence outlined above, the variant was classified as uncertain significance.

Ambry Genetics
Classification: Uncertain significance for Cardiovascular phenotype. Last evaluated: 2023-08-31. Review status: criteria provided, single submitter. Criteria: Ambry Variant Classification Scheme 2023. Collection method: clinical testing. Allele origin: germline.
Comment: The p.A396T variant (also known as c.1186G>A), located in coding exon 2 of the KCNJ5 gene, results from a G to A substitution at nucleotide position 1186. The alanine at codon 396 is replaced by threonine, an amino acid with similar properties. This amino acid position is poorly conserved in available vertebrate species. In addition, this alteration is predicted to be tolerated by in silico analysis. According to data from gnomAD, the frequency for this variant is above the maximum credible frequency for an endocrine disease-causing variant in this gene based on internally established thresholds (Karczewski et al. Nature. 2020 May;581(7809):434-443; Whiffin et al. Genet Med. 2017 10;19:1151-1158). Based on the supporting evidence, the association of this alteration with KCNJ5-related long QT syndrome is unknown; however, the association of this alteration with KCNJ5-related hyperaldosteronism is unlikely.

Fulgent Genetics
Classification: Uncertain significance for Long QT syndrome 13; Familial hyperaldosteronism type III. Last evaluated: 2022-02-07. Review status: criteria provided, single submitter. Criteria: ACMG Guidelines, 2015. Collection method: clinical testing. Allele origin: unknown.

Molecular Diagnostic Laboratory for Inherited Cardiovascular Disease, Montreal Heart Institute
Classification: Uncertain significance for Congenital long QT syndrome. Last evaluated: 2016-10-31. Review status: criteria provided, single submitter. Criteria: ACMG Guidelines, 2015. Collection method: clinical testing. Allele origin: germline. Affected: yes.